The following is an entry in ClinVar:

ClinVar aggregate classification (germline): Likely benign. Review status: criteria provided, multiple submitters, no conflicts (2 of 4 stars). 3 submissions from 3 submitters: Likely benign (3). Last evaluated 2025-09-01.

Conditions:
Cardiovascular phenotype. Identifiers: MedGen CN230736.
Autosomal recessive limb-girdle muscular dystrophy type 2J (LGMDR10). Also called: Limb-girdle muscular dystrophy, type 2J; MUSCULAR DYSTROPHY, LIMB-GIRDLE, AUTOSOMAL RECESSIVE 10. Identifiers: Orphanet 140922, MedGen C1837342, MONDO:0012127, OMIM 608807.
Dilated cardiomyopathy 1G (CMD1G). Identifiers: Orphanet 154, MedGen C1858763, MONDO:0011400, OMIM 604145.

Allele frequency attached by ClinVar (database versions not stated): gnomAD 0.00001; gnomAD exomes 0.00001 and 0.00002; TOPMed 0.00002; ExAC 0.00003.
gnomAD v4.1: 19 of 1,613,140 alleles (0.0012%); highest among the groups gnomAD compares: Admixed American, 0.005%; no homozygotes.

Submissions (3):

CeGaT Center for Human Genetics Tuebingen
Classification: Likely benign. Last evaluated: 2025-09-01. Review status: criteria provided, single submitter. Criteria: CeGaT Center For Human Genetics Tuebingen Variant Classification Criteria Version 2. Collection method: clinical testing. Allele origin: germline. Affected: yes. Observed: 1 variant allele.
Comment: TTN: BP4, BP7

Labcorp Genetics (formerly Invitae), Labcorp
Classification: Likely benign for Dilated cardiomyopathy 1G; Autosomal recessive limb-girdle muscular dystrophy type 2J. Last evaluated: 2025-06-29. Review status: criteria provided, single submitter. Criteria: Invitae Variant Classification Sherloc (09022015). Collection method: clinical testing. Allele origin: germline.

Ambry Genetics
Classification: Likely benign for Cardiovascular phenotype. Last evaluated: 2020-01-10. Review status: criteria provided, single submitter. Criteria: Ambry Variant Classification Scheme 2023. Collection method: clinical testing. Allele origin: germline.

NM_001267550.2(TTN):c.74028C>T (p.Ile24676=)

Genes: TTN (titin; minus strand), TTN-AS1 (TTN antisense RNA 1; plus strand). Cytogenetic location: 2q31.2.
Variant type: single nucleotide variant.
Coding change: c.74028C>T on transcript NM_001267550.2 (MANE Select); coding-DNA position 74028, C replaced by T.
Protein change: p.Ile24676=; no amino-acid change (isoleucine 24676 retained).
Molecular consequence: synonymous variant.
Genome position (GRCh38, 1-based): chr2:178,572,104, G>A on the plus strand (C>T on the coding strand, the complement: TTN is on the minus strand). VCF-style: chr2-178572104-G-A. GRCh37 (hg19) VCF-style: chr2-179436831-G-A.
Other names: c.69105C>T, p.Ile23035= (NM_001256850.1); c.46833C>T, p.Ile15611= (NM_003319.4); c.66324C>T, p.Ile22108= (NM_133378.4); c.47208C>T, p.Ile15736= (NM_133432.3); c.47409C>T, p.Ile15803= (NM_133437.4).
Identifiers: ClinVar variation 1617858 (VCV001617858.17), dbSNP rs757040597, ClinGen allele CA1990277.